The following is an entry in ClinVar:

ClinVar aggregate classification (germline): Uncertain significance (1 of 4 stars; one submission).

gnomAD v4.1: 1 of 1,612,134 alleles (0.000062%); highest among the groups gnomAD compares: Non-Finnish European, 0.000085%; no homozygotes.

Submission:

GeneDx
Classification: Uncertain significance. Last evaluated: 2026-01-29. Review status: criteria provided, single submitter. Criteria: GeneDx Variant Classification Process June 2021. Collection method: clinical testing. Allele origin: germline.
Comment: Not observed at significant frequency in large population cohorts (gnomAD); Missense variants in this gene are a common cause of disease and they are underrepresented in the general population; In silico analysis suggests that this missense variant does not alter protein structure/function; Has not been previously published as pathogenic or benign to our knowledge; This variant is associated with the following publications: (PMID: 29493581)

NM_005633.4(SOS1):c.119C>G (p.Ser40Cys)

Gene: SOS1 (SOS Ras/Rac guanine nucleotide exchange factor 1; minus strand). Cytogenetic location: 2p22.1.
Variant type: single nucleotide variant.
Coding change: c.119C>G on transcript NM_005633.4 (MANE Select); coding-DNA position 119, C replaced by G.
Protein change: p.Ser40Cys; replaces serine 40 with cysteine.
Molecular consequence: missense variant.
Genome position (GRCh38, 1-based): chr2:39,067,722, G>C on the plus strand (C>G on the coding strand, the complement: SOS1 is on the minus strand). VCF-style: chr2-39067722-G-C. GRCh37 (hg19) VCF-style: chr2-39294863-G-C.
Other names: c.98C>G, p.Ser33Cys (NM_001382394.1); c.119C>G, p.Ser40Cys (NM_001382395.1); short protein forms S33C, S40C.
Identifiers: ClinVar variation 4975549 (VCV004975549.1).
Genomic context (GRCh38, chr2:39,067,722, plus strand): 5'-CATAGCATATTTAATAATTGCAAAATTAATTCTTCAACATACTGAAGAGCATCATCATTA[G>C]ACTCGAGAGTAGGATGAACTTGCCCCTGGACCTATAAACAAAAAGCAAAGTAATTAAAAT-3'
Protein context (NP_005624.2, residues 30-50): VQGQVHPTLE[Ser40Cys]NDDALQYVEE